The following is an entry in ClinVar:

ClinVar aggregate classification (germline): Conflicting classifications of pathogenicity. Review status: criteria provided, conflicting classifications (1 of 4 stars). 3 submissions from 3 submitters: Uncertain significance (2); Likely benign (1). Last evaluated 2024-09-10.

Conditions:
RMRP-related disorder. Also called: RMRP-related condition.
Anauxetic dysplasia. Identifiers: Orphanet 93347, MedGen C1846796, MONDO:0011773.

Allele frequency attached by ClinVar (database versions not stated): gnomAD 0.00001; TOPMed 0.00003; gnomAD exomes 0.00004.
gnomAD v4.1: 31 of 700,436 alleles (0.0044%); highest among the groups gnomAD compares: Non-Finnish European, 0.0075%; no homozygotes.

Submissions (3):

Labcorp Genetics (formerly Invitae), Labcorp
Classification: Uncertain significance for Anauxetic dysplasia. Last evaluated: 2024-09-10. Review status: criteria provided, single submitter. Criteria: Invitae Variant Classification Sherloc (09022015). Collection method: clinical testing. Allele origin: germline.
Comment: This variant occurs in the RMRP gene, which encodes an RNA molecule that does not result in a protein product. This variant is present in population databases (no rsID available, gnomAD 0.01%). This variant has not been reported in the literature in individuals affected with RMRP-related conditions. ClinVar contains an entry for this variant (Variation ID: 510679). Experimental studies and prediction algorithms are not available or were not evaluated, and the functional significance of this variant is currently unknown. In summary, the available evidence is currently insufficient to determine the role of this variant in disease. Therefore, it has been classified as a Variant of Uncertain Significance.

PreventionGenetics, part of Exact Sciences
Classification: Uncertain significance for RMRP-related condition. Last evaluated: 2023-02-20. Review status: criteria provided, single submitter. Criteria: ACMG Guidelines, 2015. Collection method: clinical testing. Allele origin: germline.
Comment: The RMRP n.85T>G is a noncoding alteration. To our knowledge, this variant has not been reported in the literature. This variant is reported in 0.0092% of alleles in individuals of European (Non-Finnish) descent in gnomAD. In ClinVar, this variant is interpreted as likely benign/uncertain. At this time, the clinical significance of this variant is uncertain due to the absence of conclusive functional and genetic evidence.

GeneDx
Classification: Likely benign. Last evaluated: 2017-07-05. Review status: criteria provided, single submitter. Criteria: GeneDx Variant Classification (06012015). Collection method: clinical testing. Allele origin: germline. Affected: yes.
Comment: This variant is considered likely benign or benign based on one or more of the following criteria: it is a conservative change, it occurs at a poorly conserved position in the protein, it is predicted to be benign by multiple in silico algorithms, and/or has population frequency not consistent with disease.

NR_003051.4(RMRP):n.86T>G

Gene: RMRP (RNA component of mitochondrial RNA processing endoribonuclease; minus strand). Cytogenetic location: 9p13.3.
Variant type: single nucleotide variant.
Genome position: GRCh38 VCF-style: chr9-35657934-A-C. GRCh37 (hg19) VCF-style: chr9-35657931-A-C.
Identifiers: ClinVar variation 510679 (VCV000510679.5), dbSNP rs991322091, ClinGen allele CA192745657.
Genomic context (GRCh38, chr9:35,657,934, plus strand): 5'-GACTTTGGAGTGGGAAGCGGGGAATGTCTACGTGCGTATGCACGTGGCACTCTCTGCCCG[A>C]GGTCCGGGGACTTTCCCCTAGGCGGAAAGGGGAGGAACAGAGTCCTCAGTGTGTAGCCTA-3'